The following is an entry in ClinVar:

NM_001040108.2(MLH3):c.4304C>A (p.Ala1435Glu)

Gene: MLH3 (mutL homolog 3; minus strand). Cytogenetic location: 14q24.3.
Variant type: single nucleotide variant.
Coding change: c.4304C>A on transcript NM_001040108.2 (MANE Select); coding-DNA position 4304, C replaced by A.
Protein change: p.Ala1435Glu; replaces alanine 1435 with glutamic acid.
Molecular consequence: missense variant.
Genome position (GRCh38, 1-based): chr14:75,017,140, G>T on the plus strand (C>A on the coding strand, the complement: MLH3 is on the minus strand). VCF-style: chr14-75017140-G-T. GRCh37 (hg19) VCF-style: chr14-75483843-G-T.
Other names: c.4232C>A, p.Ala1411Glu (NM_014381.3); short protein forms A1411E, A1435E.
Identifiers: ClinVar variation 4841827 (VCV004841827.1).

ClinVar aggregate classification (germline): Uncertain significance (1 of 4 stars; one submission).

Submission:

Ambry Genetics
Classification: Uncertain significance. Last evaluated: 2025-12-20. Review status: criteria provided, single submitter. Criteria: Ambry Variant Classification Scheme 2023. Collection method: clinical testing. Allele origin: germline.
Comment: The p.A1435E variant (also known as c.4304C>A), located in coding exon 12 of the MLH3 gene, results from a C to A substitution at nucleotide position 4304. The alanine at codon 1435 is replaced by glutamic acid, an amino acid with dissimilar properties. This amino acid position is conserved. In addition, the in silico prediction for this alteration is inconclusive. Based on the available evidence, the clinical significance of this variant remains unclear.